The following is an entry in ClinVar:

ClinVar aggregate classification (germline): Benign. Review status: criteria provided, single submitter (1 of 4 stars). 2 submissions from 2 submitters: Benign (1). 1 of the submissions does not count toward it. Last evaluated 2026-07-01.

Conditions:
NEMF-related disorder. Also called: NEMF-related condition.

Allele frequency attached by ClinVar (database versions not stated): 1000 Genomes Project 30x 0.00344; 1000 Genomes Project 0.00359; gnomAD 0.00950; TOPMed 0.00965; ExAC 0.01057; ESP Exome Variant Server 0.01107; gnomAD exomes 0.01203.

Submissions (2):

CeGaT Center for Human Genetics Tuebingen
Classification: Benign. Last evaluated: 2026-07-01. Review status: criteria provided, single submitter. Criteria: CeGaT Center For Human Genetics Tuebingen Variant Classification Criteria Version 2. Collection method: clinical testing. Allele origin: germline. Affected: yes. Observed: 29 variant alleles.
Comment: NEMF: BP4, BP7, BS1, BS2

PreventionGenetics, part of Exact Sciences
Classification: Benign for NEMF-related condition. Last evaluated: 2019-02-20. Review status: no assertion criteria provided. Collection method: clinical testing. Allele origin: germline. Not counted in ClinVar's aggregate classification.
Comment: This variant is classified as benign based on ACMG/AMP sequence variant interpretation guidelines (Richards et al. 2015 PMID: 25741868, with internal and published modifications).

NM_004713.6(NEMF):c.1755C>A (p.Ile585=)

Gene: NEMF (nuclear export mediator factor; minus strand). Cytogenetic location: 14q21.3.
Variant type: single nucleotide variant.
Coding change: c.1755C>A on transcript NM_004713.6 (MANE Select); coding-DNA position 1755, C replaced by A.
Protein change: p.Ile585=; no amino-acid change (isoleucine 585 retained).
Molecular consequence: synonymous variant.
Genome position (GRCh38, 1-based): chr14:49,806,123, G>T on the plus strand (C>A on the coding strand, the complement: NEMF is on the minus strand). VCF-style: chr14-49806123-G-T. GRCh37 (hg19) VCF-style: chr14-50272841-G-T.
Other names: c.1692C>A, p.Ile564= (NM_001301732.3).
Identifiers: ClinVar variation 3041851 (VCV003041851.17), dbSNP rs77376853, ClinGen allele CA7175155.